The following is an entry in ClinVar:

NM_006734.4(HIVEP2):c.3725A>G (p.Tyr1242Cys)

Gene: HIVEP2 (HIVEP zinc finger 2; minus strand). Cytogenetic location: 6q24.2.
Variant type: single nucleotide variant.
Coding change: c.3725A>G on transcript NM_006734.4 (MANE Select); coding-DNA position 3725, A replaced by G.
Protein change: p.Tyr1242Cys; replaces tyrosine 1242 with cysteine.
Molecular consequence: missense variant.
Genome position (GRCh38, 1-based): chr6:142,771,014, T>C on the plus strand (A>G on the coding strand, the complement: HIVEP2 is on the minus strand). VCF-style: chr6-142771014-T-C. GRCh37 (hg19) VCF-style: chr6-143092151-T-C.
Other names: short protein forms Y1242C.
Identifiers: ClinVar variation 1585428 (VCV001585428.16), dbSNP rs139717578, ClinGen allele CA4028196.

ClinVar aggregate classification (germline): Benign/Likely benign. Review status: criteria provided, multiple submitters, no conflicts (2 of 4 stars). 3 submissions from 3 submitters: Benign (2); Likely benign (1). Last evaluated 2026-09-01.

Allele frequency attached by ClinVar (database versions not stated): ExAC 0.01891; TOPMed 0.01903; gnomAD 0.01929 and 0.01984; gnomAD exomes 0.01964 and 0.02369; 1000 Genomes Project 0.00958; 1000 Genomes Project 30x 0.00968; ESP Exome Variant Server 0.01867.
gnomAD v4.1: 37,456 of 1,614,174 alleles (2.3%); highest among the groups gnomAD compares: Non-Finnish European, 2.7%; 553 homozygotes.

Submissions (3):

CeGaT Center for Human Genetics Tuebingen
Classification: Benign. Last evaluated: 2026-09-01. Review status: criteria provided, single submitter. Criteria: CeGaT Center For Human Genetics Tuebingen Variant Classification Criteria Version 2. Collection method: clinical testing. Allele origin: germline. Affected: yes. Observed: 58 variant alleles.
Comment: HIVEP2: BS1, BS2

Labcorp Genetics (formerly Invitae), Labcorp
Classification: Benign. Last evaluated: 2026-02-03. Review status: criteria provided, single submitter. Criteria: Invitae Variant Classification Sherloc (09022015). Collection method: clinical testing. Allele origin: germline.

GeneDx
Classification: Likely benign. Last evaluated: 2021-01-08. Review status: criteria provided, single submitter. Criteria: GeneDx Variant Classification Process June 2021. Collection method: clinical testing. Allele origin: germline. Affected: yes.
Comment: See Variant Classification Assertion Criteria.